The following is an entry in ClinVar:

ClinVar aggregate classification (germline): Uncertain significance (1 of 4 stars; one submission).

Conditions:
SMARCA4-related disorder. Also called: SMARCA4-related condition.

Submission:

PreventionGenetics, part of Exact Sciences
Classification: Uncertain significance for SMARCA4-related condition. Last evaluated: 2023-03-30. Review status: criteria provided, single submitter. Criteria: ACMG Guidelines, 2015. Collection method: clinical testing. Allele origin: germline.
Comment: The SMARCA4 c.4894G>A variant is predicted to result in the amino acid substitution p.Gly1632Ser. To our knowledge, this variant has not been reported in the literature or in a large population database, indicating this variant is rare. At this time, the clinical significance of this variant is uncertain due to the absence of conclusive functional and genetic evidence.

NM_003072.5(SMARCA4):c.4798G>A (p.Gly1600Ser)

Gene: SMARCA4 (SWI/SNF related BAF chromatin remodeling complex subunit ATPase 4; plus strand). Cytogenetic location: 19p13.2.
Variant type: single nucleotide variant.
Coding change: c.4798G>A on transcript NM_003072.5 (MANE Select); coding-DNA position 4798, G replaced by A.
Protein change: p.Gly1600Ser; replaces glycine 1600 with serine.
Molecular consequence: missense variant. On other transcripts: non-coding transcript variant (1).
Genome position (GRCh38, 1-based): chr19:11,060,074, G>A. VCF-style: chr19-11060074-G-A. GRCh37 (hg19) VCF-style: chr19-11170750-G-A.
Other names: c.4798G>A, p.Gly1600Ser (NM_001128844.3); c.4708G>A, p.Gly1570Ser (NM_001128845.2); c.4705G>A, p.Gly1569Ser (NM_001128846.2); c.4699G>A, p.Gly1567Ser (NM_001128847.4, NM_001374457.1); c.4696G>A, p.Gly1566Ser (NM_001128848.2); c.4894G>A, p.Gly1632Ser (NM_001128849.3, NM_001387283.1); c.4795G>A, p.Gly1599Ser (NM_001411150.1); short protein forms G1566S, G1567S, G1569S, G1570S, G1599S, G1600S, G1632S.
Identifiers: ClinVar variation 2633572 (VCV002633572.1), dbSNP rs1600648042, ClinGen allele CA404080389.